The following is an entry in ClinVar:

ClinVar aggregate classification (germline): Likely pathogenic (1 of 4 stars; one submission).

Conditions:
Jervell and Lange-Nielsen syndrome (JLNS). Also called: Jervell-Lange Nielsen syndrome. Identifiers: Orphanet 90647, MedGen C0022387, MONDO:0002441.

Submission:

Laboratory for Molecular Medicine, Mass General Brigham Personalized Medicine
Classification: Likely pathogenic for Jervell and Lange-Nielsen syndrome. Last evaluated: 2023-02-02. Review status: criteria provided, single submitter. Criteria: ACMG Guidelines, 2015. Collection method: clinical testing. Allele origin: germline.
Comment: The c.1732+1G>T variant in KCNQ1 has not been previously reported in individuals with long QT syndrome or Jervell and Lange-Nielsen syndrome(JLNS) and was absent from large population studies. This variant occurs within the canonical splice site (+/- 1,2) and is predicted to cause altered splicing leading to an abnormal or absent protein. Another splice site variant (c.1732+2T>C impacting the same exon has been reported in an individual with long QT. Loss of function of the KCNQ1 gene is an established disease mechanism in autosomal dominant long QT and autosomal recessive JLNS. In summary, although additional studies are required to fully establish its clinical significance, this variant meets criteria to be classified as likely pathogenic for autosomal dominant long QT and autosomal recessive Jervell and Lange-Nielsen syndrome. ACMG/AMP criteria applied: PVS1_Strong, PM2_Supporting.

NM_000218.3(KCNQ1):c.1732+1G>T

Gene: KCNQ1 (potassium voltage-gated channel subfamily Q member 1; plus strand). Cytogenetic location: 11p15.5.
Variant type: single nucleotide variant.
Coding change: c.1732+1G>T on transcript NM_000218.3 (MANE Select); the canonical splice donor site of the intron after coding-DNA position 1732, G replaced by T.
Molecular consequence: splice donor variant.
Genome position (GRCh38, 1-based): chr11:2,777,033, G>T. VCF-style: chr11-2777033-G-T. GRCh37 (hg19) VCF-style: chr11-2798263-G-T.
Other names: c.1462+1G>T (NM_001406837.1); c.1636+1G>T (NM_001406836.1); c.1192+1G>T (NM_001406838.1); c.1351+1G>T (NM_181798.2).
Identifiers: ClinVar variation 3075923 (VCV003075923.1), dbSNP rs1846719993, ClinGen allele CA379139350.
Genomic context (GRCh38, chr11:2,777,033, plus strand): 5'-TCCTTCTCTCCAGGCTGGACCAGTCCATTGGGAAGCCCTCACTGTTCATCTCCGTCTCAG[G>T]TGGGTTTCTGTGTCAGTTACTCTGGGCCCAGCAGCCTGCAATGGACTCTCCCGCACCTCT-3'